The following is an entry in ClinVar:

NM_001384950.1(NLRC5):c.2870+353T>C

Gene: NLRC5 (NLR family CARD domain containing 5; plus strand). Cytogenetic location: 16q13.
Variant type: single nucleotide variant.
Coding change: c.2870+353T>C on transcript NM_001384950.1 (MANE Select); 353 bases into the intron after coding-DNA position 2870, T replaced by C.
Molecular consequence: intron variant.
Genome position (GRCh38, 1-based): chr16:57,040,202, T>C. VCF-style: chr16-57040202-T-C. GRCh37 (hg19) VCF-style: chr16-57074114-T-C.
Other names: c.2870+353T>C (NM_001384954.1, NM_001384953.1, NM_001384957.1 and 19 more transcripts); c.2786+353T>C (NM_001384960.1, NM_001384965.1); c.2699+353T>C (NM_001384972.1).
Identifiers: ClinVar variation 103167 (VCV000103167.2), dbSNP rs199475986, ClinGen allele CA230212.

ClinVar aggregate classification (germline): not provided (0 of 4 stars; one submission).

Allele frequency attached by ClinVar (database versions not stated): gnomAD 0.00001.
gnomAD v4.1: 1 of 152,220 alleles (0.00066%); highest among the groups gnomAD compares: African/African-American, 0.0024%; no homozygotes.

Submission:

Human Evolutionary Genetics, Institut Pasteur
No classification provided. Review status: no classification provided. Collection method: not provided. Allele origin: germline.
ClinVar note: Converted during submission from untested to not provided.